The following is an entry in ClinVar:

ClinVar aggregate classification (germline): Uncertain significance (1 of 4 stars; one submission).

Conditions:
Nephrolithiasis/nephrocalcinosis. Identifiers: MedGen CN580796.

Submission:

Ambry Genetics
Classification: Uncertain significance for Nephrolithiasis/nephrocalcinosis. Last evaluated: 2022-11-30. Review status: criteria provided, single submitter. Criteria: Ambry Variant Classification Scheme 2023. Collection method: clinical testing. Allele origin: germline.
Comment: The p.A1000V variant (also known as c.2999C>T), located in coding exon 6 of the CASR gene, results from a C to T substitution at nucleotide position 2999. The alanine at codon 1000 is replaced by valine, an amino acid with similar properties. This amino acid position is conserved. In addition, this alteration is predicted to be tolerated by in silico analysis. Since supporting evidence is limited at this time, the clinical significance of this alteration remains unclear.

NM_000388.4(CASR):c.2999C>T (p.Ala1000Val)

Gene: CASR (calcium sensing receptor; plus strand). Cytogenetic location: 3q21.1.
Variant type: single nucleotide variant.
Coding change: c.2999C>T on transcript NM_000388.4 (MANE Select); coding-DNA position 2999, C replaced by T.
Protein change: p.Ala1000Val; replaces alanine 1000 with valine.
Molecular consequence: missense variant.
Genome position (GRCh38, 1-based): chr3:122,284,953, C>T. VCF-style: chr3-122284953-C-T. GRCh37 (hg19) VCF-style: chr3-122003800-C-T.
Other names: c.3029C>T, p.Ala1010Val (NM_001178065.2); short protein forms A1010V, A1000V.
Identifiers: ClinVar variation 2451447 (VCV002451447.2), dbSNP rs2473283202, ClinGen allele CA354161235.